The following is an entry in ClinVar:

NM_032620.4(GTPBP3):c.592-64A>G

Gene: GTPBP3 (GTP binding protein 3, mitochondrial; plus strand). Cytogenetic location: 19p13.11.
Variant type: single nucleotide variant.
Coding change: c.592-64A>G on transcript NM_032620.4 (MANE Select); 64 bases into the intron before coding-DNA position 592, A replaced by G.
Molecular consequence: intron variant.
Genome position (GRCh38, 1-based): chr19:17,338,890, A>G. VCF-style: chr19-17338890-A-G. GRCh37 (hg19) VCF-style: chr19-17449699-A-G.
Other names: c.658-64A>G (NM_001195422.1); c.592-64A>G (NM_133644.4, NM_001128855.3).
Identifiers: ClinVar variation 676128 (VCV000676128.2), dbSNP rs45541332, ClinGen allele CA14637502.

ClinVar aggregate classification (germline): Benign. Review status: criteria provided, multiple submitters, no conflicts (2 of 4 stars). 2 submissions from 2 submitters: Benign (2). Last evaluated 2018-06-14.

Allele frequency attached by ClinVar (database versions not stated): 1000 Genomes Project 30x 0.04809; 1000 Genomes Project 0.04852; TOPMed 0.08183; gnomAD 0.08495 and 0.08762.
gnomAD v4.1: 150,807 of 1,547,030 alleles (9.7%); highest among the groups gnomAD compares: Non-Finnish European, 11%; 7,983 homozygotes.

Submissions (2):

GeneDx
Classification: Benign. Last evaluated: 2018-06-14. Review status: criteria provided, single submitter. Criteria: GeneDx Variant Classification (06012015). Collection method: clinical testing. Allele origin: germline. Affected: yes.
Comment: This variant is considered likely benign or benign based on one or more of the following criteria: it is a conservative change, it occurs at a poorly conserved position in the protein, it is predicted to be benign by multiple in silico algorithms, and/or has population frequency not consistent with disease.

Breakthrough Genomics
Classification: Benign. Review status: criteria provided, single submitter. Criteria: ACMG Guidelines, 2015. Collection method: not provided. Allele origin: germline. Inheritance: Autosomal recessive inheritance. Affected: yes.